The following is an entry in ClinVar:

ClinVar aggregate classification (germline): Uncertain significance (1 of 4 stars; one submission).

Conditions:
Melnick-Needles syndrome (MNS). Also called: MELNICK-NEEDLES OSTEODYSPLASTY; OSTEODYSPLASTY OF MELNICK AND NEEDLES; Melnick-Needles Syndrome (FLNA-MNS). Identifiers: Orphanet 2484, MedGen C0025237, MONDO:0010650, OMIM 309350.
Heterotopia, periventricular, X-linked dominant (PVNH1). Also called: PERIVENTRICULAR NODULAR HETEROTOPIA 1; X-linked periventricular heterotopia; PERIVENTRICULAR NODULAR HETEROTOPIA 4; HETEROTOPIA, PERIVENTRICULAR, 1. Identifiers: Orphanet 2149, Orphanet 82004, MedGen C1848213, MONDO:0010233, OMIM 300049.
Frontometaphyseal dysplasia (FMD1). Identifiers: Orphanet 1826, MedGen C0265293, MONDO:0015942.
Oto-palato-digital syndrome, type II (OPD2). Also called: FACIOPALATOOSSEOUS SYNDROME; OPD II SYNDROME; Otopalatodigital Syndrome Type 2 (FLNA-OPD2); Otopalatodigital Syndrome, Type II. Identifiers: Orphanet 669, Orphanet 90652, MedGen C1844696, MONDO:0010571, OMIM 304120.

Submission:

Labcorp Genetics (formerly Invitae), Labcorp
Classification: Uncertain significance for Oto-palato-digital syndrome, type II; Heterotopia, periventricular, X-linked dominant; Frontometaphyseal dysplasia; Melnick-Needles syndrome. Last evaluated: 2022-03-12. Review status: criteria provided, single submitter. Criteria: Invitae Variant Classification Sherloc (09022015). Collection method: clinical testing. Allele origin: germline.
Comment: In summary, the available evidence is currently insufficient to determine the role of this variant in disease. Therefore, it has been classified as a Variant of Uncertain Significance. Advanced modeling of protein sequence and biophysical properties (such as structural, functional, and spatial information, amino acid conservation, physicochemical variation, residue mobility, and thermodynamic stability) performed at Invitae indicates that this missense variant is not expected to disrupt FLNA protein function. This variant has not been reported in the literature in individuals affected with FLNA-related conditions. This variant is not present in population databases (gnomAD no frequency). This sequence change replaces alanine, which is neutral and non-polar, with glycine, which is neutral and non-polar, at codon 1141 of the FLNA protein (p.Ala1141Gly).

NM_001110556.2(FLNA):c.3422C>G (p.Ala1141Gly)

Gene: FLNA (filamin A; minus strand). Cytogenetic location: Xq28.
Variant type: single nucleotide variant.
Coding change: c.3422C>G on transcript NM_001110556.2 (MANE Select); coding-DNA position 3422, C replaced by G.
Protein change: p.Ala1141Gly; replaces alanine 1141 with glycine.
Molecular consequence: missense variant.
Genome position (GRCh38, 1-based): chrX:154,360,373, G>C on the plus strand (C>G on the coding strand, the complement: FLNA is on the minus strand). VCF-style: chrX-154360373-G-C. GRCh37 (hg19) VCF-style: chrX-153588741-G-C.
Other names: c.3422C>G, p.Ala1141Gly (NM_001456.4); short protein forms A1141G.
Identifiers: ClinVar variation 2094862 (VCV002094862.4), dbSNP rs2522741403, ClinGen allele CA415227694.